The following is an entry in ClinVar:

NM_001009944.3(PKD1):c.5284A>G (p.Thr1762Ala)

Gene: PKD1 (polycystin 1, transient receptor potential channel interacting; minus strand). Cytogenetic location: 16p13.3.
Variant type: single nucleotide variant.
Coding change: c.5284A>G on transcript NM_001009944.3 (MANE Select); coding-DNA position 5284, A replaced by G.
Protein change: p.Thr1762Ala; replaces threonine 1762 with alanine.
Molecular consequence: missense variant.
Genome position (GRCh38, 1-based): chr16:2,109,883, T>C on the plus strand (A>G on the coding strand, the complement: PKD1 is on the minus strand). VCF-style: chr16-2109883-T-C. GRCh37 (hg19) VCF-style: chr16-2159884-T-C.
Other names: c.5284A>G, p.Thr1762Ala (NM_000296.4); short protein forms T1762A.
Identifiers: ClinVar variation 977079 (VCV000977079.2), dbSNP rs369625462, ClinGen allele CA276781754.

ClinVar aggregate classification (germline): Uncertain significance. Review status: criteria provided, multiple submitters, no conflicts (2 of 4 stars). 2 submissions from 2 submitters: Uncertain significance (2). Last evaluated 2024-04-12.

Conditions:
Polycystic kidney disease, adult type (PKD1). Also called: Polycystic Kidney Disease 1, Autosomal Dominant; Polycystic kidney disease 1; Polycystic kidney disease 1, severe; Polycystic Kidney, Autosomal Dominant; POLYCYSTIC KIDNEY DISEASE 1 WITH OR WITHOUT POLYCYSTIC LIVER DISEASE; POLYCYSTIC KIDNEY DISEASE, ADULT, TYPE I. Identifiers: MedGen C3149841, MONDO:0008263, OMIM 173900.

Allele frequency attached by ClinVar (database versions not stated): gnomAD 0.00001; gnomAD exomes 0.00001; TOPMed 0.00002; ESP Exome Variant Server 0.00008.
gnomAD v4.1: 6 of 1,609,922 alleles (0.00037%); highest among the groups gnomAD compares: South Asian, 0.0011%; no homozygotes.

Submissions (2):

Fulgent Genetics
Classification: Uncertain significance for Polycystic kidney disease, adult type. Last evaluated: 2024-04-12. Review status: criteria provided, single submitter. Criteria: ACMG Guidelines, 2015. Collection method: clinical testing. Allele origin: germline.

Johns Hopkins Genomics, Johns Hopkins University
Classification: Uncertain significance for Polycystic kidney disease, adult type. Last evaluated: 2020-07-21. Review status: criteria provided, single submitter. Criteria: ACMG Guidelines, 2015. Collection method: clinical testing. Allele origin: germline.
Comment: This PKD1 variant (rs369625462) is rare (<0.1%) in a large population dataset (gnomAD: 3/280126 total alleles; 0.001%; no homozygotes) and has not been reported in ClinVar nor the literature, to our knowledge. Three bioinformatic tools queried predict that this substitution would be tolerated, and the threonine residue at this position is evolutionarily conserved across most mammals assessed. Due to insufficient evidence, we consider the clinical significance of c.5284A>G to be uncertain at this time.